The following is an entry in ClinVar:

ClinVar aggregate classification (germline): Uncertain significance (1 of 4 stars; one submission).

Conditions:
Emery-Dreifuss muscular dystrophy 4, autosomal dominant (EDMD4). Also called: EMERY-DREIFUSS MUSCULAR DYSTROPHY 4 WITH VARIABLE FEATURES. Identifiers: Orphanet 261, MedGen C2751807, MONDO:0013071, OMIM 612998.
Autosomal recessive ataxia, Beauce type. Also called: Spinocerebellar ataxia, autosomal recessive 8; ATAXIA, RECESSIVE, OF BEAUCE; SYNE1-Related Autosomal Recessive Cerebellar Ataxia; SYNE1 Deficiency. Identifiers: Orphanet 88644, MedGen C1853116, MONDO:0012549, OMIM 610743.

Allele frequency attached by ClinVar (database versions not stated): ExAC 0.00001; gnomAD exomes 0.00001; TOPMed 0.00001.
gnomAD v4.1: 5 of 1,614,176 alleles (0.00031%); highest among the groups gnomAD compares: Admixed American, 0.0083%; no homozygotes.

Submission:

Labcorp Genetics (formerly Invitae), Labcorp
Classification: Uncertain significance for Emery-Dreifuss muscular dystrophy 4, autosomal dominant; Autosomal recessive ataxia, Beauce type. Last evaluated: 2023-10-10. Review status: criteria provided, single submitter. Criteria: Invitae Variant Classification Sherloc (09022015). Collection method: clinical testing. Allele origin: germline.
Comment: This sequence change replaces proline, which is neutral and non-polar, with leucine, which is neutral and non-polar, at codon 6825 of the SYNE1 protein (p.Pro6825Leu). This variant is present in population databases (rs764393073, gnomAD 0.01%). This variant has not been reported in the literature in individuals affected with SYNE1-related conditions. An algorithm developed to predict the effect of missense changes on protein structure and function (PolyPhen-2) suggests that this variant is likely to be disruptive. In summary, the available evidence is currently insufficient to determine the role of this variant in disease. Therefore, it has been classified as a Variant of Uncertain Significance.

NM_182961.4(SYNE1):c.20687C>T (p.Pro6896Leu)

Gene: SYNE1 (spectrin repeat containing nuclear envelope protein 1; minus strand). Cytogenetic location: 6q25.2.
Variant type: single nucleotide variant.
Coding change: c.20687C>T on transcript NM_182961.4 (MANE Select); coding-DNA position 20687, C replaced by T.
Protein change: p.Pro6896Leu; replaces proline 6896 with leucine.
Molecular consequence: missense variant.
Genome position (GRCh38, 1-based): chr6:152,233,806, G>A on the plus strand (C>T on the coding strand, the complement: SYNE1 is on the minus strand). VCF-style: chr6-152233806-G-A. GRCh37 (hg19) VCF-style: chr6-152554941-G-A.
Other names: c.20474C>T, p.Pro6825Leu (NM_033071.5); short protein forms P6825L, P6896L.
Identifiers: ClinVar variation 2947475 (VCV002947475.3), dbSNP rs764393073, ClinGen allele CA4054360.